The following is an entry in ClinVar:

ClinVar aggregate classification (germline): Uncertain significance (1 of 4 stars; one submission).

Conditions:
Cardiovascular phenotype. Identifiers: MedGen CN230736.

Submission:

Ambry Genetics
Classification: Uncertain significance for Cardiovascular phenotype. Last evaluated: 2024-05-11. Review status: criteria provided, single submitter. Criteria: Ambry Variant Classification Scheme 2023. Collection method: clinical testing. Allele origin: germline.
Comment: The p.G291W variant (also known as c.871G>T), located in coding exon 9 of the MYBPC3 gene, results from a G to T substitution at nucleotide position 871. The glycine at codon 291 is replaced by tryptophan, an amino acid with highly dissimilar properties. This amino acid position is conserved. In addition, the in silico prediction for this alteration is inconclusive. Based on the available evidence, the clinical significance of this variant remains unclear.

NM_000256.3(MYBPC3):c.871G>T (p.Gly291Trp)

Gene: MYBPC3 (myosin binding protein C3; minus strand). Cytogenetic location: 11p11.2.
Variant type: single nucleotide variant.
Coding change: c.871G>T on transcript NM_000256.3 (MANE Select); coding-DNA position 871, G replaced by T.
Protein change: p.Gly291Trp; replaces glycine 291 with tryptophan.
Molecular consequence: missense variant.
Genome position (GRCh38, 1-based): chr11:47,347,460, C>A on the plus strand (G>T on the coding strand, the complement: MYBPC3 is on the minus strand). VCF-style: chr11-47347460-C-A. GRCh37 (hg19) VCF-style: chr11-47369011-C-A.
Other names: short protein forms G291W.
Identifiers: ClinVar variation 3297203 (VCV003297203.1).
Genomic context (GRCh38, chr11:47,347,460, plus strand): 5'-CCCAGGAACTGCCACCCAGGACTCACCTCTTTTTCAGCAGTGAGCTGAAGTCCAGAATCC[C>A]AGTGTCCTCATGGCTATCACTATGGAGAGGGACCCCCAGTGAGGCTGCAGTGAGGGACTG-3'
Protein context (NP_000247.2, residues 281-301): RRISDSHEDT[Gly291Trp]ILDFSSLLKK